The following is an entry in ClinVar:

ClinVar aggregate classification (germline): Likely benign. Review status: criteria provided, multiple submitters, no conflicts (2 of 4 stars). 3 submissions from 3 submitters: Likely benign (2). 1 of the submissions does not count toward it. Last evaluated 2025-11-24.

Conditions:
MNX1-related disorder. Also called: MNX1-related condition.

Allele frequency attached by ClinVar (database versions not stated): gnomAD exomes 0.00006 and 0.00028; gnomAD 0.00007 and 0.00009; TOPMed 0.00008; ExAC 0.00050.

Submissions (3):

Labcorp Genetics (formerly Invitae), Labcorp
Classification: Likely benign. Last evaluated: 2025-11-24. Review status: criteria provided, single submitter. Criteria: Invitae Variant Classification Sherloc (09022015). Collection method: clinical testing. Allele origin: germline.

Breakthrough Genomics
Classification: Likely benign. Review status: criteria provided, single submitter. Criteria: ACMG Guidelines, 2015. Collection method: not provided. Allele origin: germline. Inheritance: Autosomal dominant inheritance. Affected: yes.

PreventionGenetics, part of Exact Sciences
Classification: Likely benign for MNX1-related condition. Last evaluated: 2022-02-27. Review status: no assertion criteria provided. Collection method: clinical testing. Allele origin: germline. Not counted in ClinVar's aggregate classification.
Comment: This variant is classified as likely benign based on ACMG/AMP sequence variant interpretation guidelines (Richards et al. 2015 PMID: 25741868, with internal and published modifications).

NM_005515.4(MNX1):c.496T>C (p.Tyr166His)

Genes: MNX1 (motor neuron and pancreas homeobox 1; minus strand), LOC129999735 (ATAC-STARR-seq lymphoblastoid silent region 18857; plus strand). Cytogenetic location: 7q36.3.
Variant type: single nucleotide variant.
Coding change: c.496T>C on transcript NM_005515.4 (MANE Select); coding-DNA position 496, T replaced by C.
Protein change: p.Tyr166His; replaces tyrosine 166 with histidine.
Molecular consequence: missense variant.
Genome position (GRCh38, 1-based): chr7:157,009,855, A>G on the plus strand (T>C on the coding strand, the complement: MNX1 is on the minus strand). VCF-style: chr7-157009855-A-G. GRCh37 (hg19) VCF-style: chr7-156802549-A-G.
Other names: c.496T>C (NM_005515.3); short protein forms Y166H.
Identifiers: ClinVar variation 1594686 (VCV001594686.11), dbSNP rs770140988, ClinGen allele CA4589288.